The following is an entry in ClinVar:

ClinVar aggregate classification (germline): Benign/Likely benign. Review status: criteria provided, multiple submitters, no conflicts (2 of 4 stars). 2 submissions from 2 submitters: Benign (1); Likely benign (1). Last evaluated 2024-12-18.

Conditions:
Papillary renal cell carcinoma type 1 (RCCP1). Also called: RENAL CELL CARCINOMA, PAPILLARY, 1, SOMATIC; Renal adenocarcinoma; Renal cell carcinoma 1; Renal cell carcinoma, somatic. Identifiers: Orphanet 47044, MedGen C1336839, OMIM 605074, HP:0011797.
Renal cell carcinoma. Identifiers: Orphanet 217071, MedGen C0007134, MeSH D002292, MONDO:0005086, HP:0005584.

gnomAD v4.1: 3 of 1,613,854 alleles (0.00019%); highest among the groups gnomAD compares: East Asian, 0.0022%; no homozygotes.

Submissions (2):

Labcorp Genetics (formerly Invitae), Labcorp
Classification: Likely benign for Renal cell carcinoma. Last evaluated: 2024-12-18. Review status: criteria provided, single submitter. Criteria: Invitae Variant Classification Sherloc (09022015). Collection method: clinical testing. Allele origin: germline.

Myriad Genetics, Inc.
Classification: Benign for Papillary renal cell carcinoma type 1. Last evaluated: 2024-11-13. Review status: criteria provided, single submitter. Criteria: Myriad Autosomal Dominant, Autosomal Recessive and X-Linked Classification Criteria (2023). Collection method: clinical testing. Allele origin: unknown.
Comment: This variant is considered benign. This variant is a silent/synonymous amino acid change and it is not expected to impact splicing.

NM_000245.4(MET):c.3567C>T (p.Ala1189=)

Gene: MET (MET proto-oncogene, receptor tyrosine kinase; plus strand). Cytogenetic location: 7q31.2.
Variant type: single nucleotide variant.
Coding change: c.3567C>T on transcript NM_000245.4 (MANE Select); coding-DNA position 3567, C replaced by T.
Protein change: p.Ala1189=; no amino-acid change (alanine 1189 retained).
Molecular consequence: synonymous variant.
Genome position (GRCh38, 1-based): chr7:116,782,032, C>T. VCF-style: chr7-116782032-C-T. GRCh37 (hg19) VCF-style: chr7-116422086-C-T.
Other names: c.3621C>T, p.Ala1207= (NM_001127500.3); c.2277C>T, p.Ala759= (NM_001324402.2).
Identifiers: ClinVar variation 3661631 (VCV003661631.3).